The following is an entry in ClinVar:

NM_015662.3(IFT172):c.3813G>T (p.Lys1271Asn)

Genes: IFT172 (intraflagellar transport 172; minus strand), LOC126806173 (BRD4-independent group 4 enhancer GRCh37_chr2:27676057-27677256; plus strand). Cytogenetic location: 2p23.3.
Variant type: single nucleotide variant.
Coding change: c.3813G>T on transcript NM_015662.3 (MANE Select); coding-DNA position 3813, G replaced by T.
Protein change: p.Lys1271Asn; replaces lysine 1271 with asparagine.
Molecular consequence: missense variant.
Genome position (GRCh38, 1-based): chr2:27,453,638, C>A on the plus strand (G>T on the coding strand, the complement: IFT172 is on the minus strand). VCF-style: chr2-27453638-C-A. GRCh37 (hg19) VCF-style: chr2-27676505-C-A.
Other names: c.3747G>T, p.Lys1249Asn (NM_001410739.1); c.3813G>T (NM_015662.1, NM_015662.2); short protein forms K1249N, K1271N.
Identifiers: ClinVar variation 2050615 (VCV002050615.9), dbSNP rs769711760, ClinGen allele CA1579859.
Genomic context (GRCh38, chr2:27,453,638, plus strand): 5'-CCTCATGACCCTCCCAGCCCTGCCAATGCTGCCTGGACCTCTGGCCTCATACCTGGCCCC[C>A]TTCTTAGTAGCTTCCCGCTCATATTCTTCCTGCAGAGCCTCCAGCTGGCTGGGCACATAG-3'
Protein context (NP_056477.1, residues 1261-1281): QEEYEREATK[Lys1271Asn]GARGVEGFVE

ClinVar aggregate classification (germline): Uncertain significance. Review status: criteria provided, multiple submitters, no conflicts (2 of 4 stars). 4 submissions from 4 submitters: Uncertain significance (3). 1 of the submissions does not count toward it. Last evaluated 2024-07-16.

Conditions:
IFT172-related disorder. Also called: IFT172-related condition; IFT172-related disorders.
Inborn genetic diseases. Identifiers: MedGen C0950123, MeSH D030342.
Bardet-Biedl syndrome 20. Identifiers: MedGen C4310707, MONDO:0023670, OMIM 619471, MONDO:0014926.
Retinitis pigmentosa 71 (RP71). Identifiers: Orphanet 791, MedGen C4225342, MONDO:0014618, OMIM 616394.
Short-rib thoracic dysplasia 10 with or without polydactyly (SRTD10). Identifiers: Orphanet 474, MedGen C3810175, MONDO:0014284, OMIM 615630.

Allele frequency attached by ClinVar (database versions not stated): gnomAD exomes below 0.00001; ExAC 0.00002; TOPMed 0.00004; gnomAD 0.00009.
gnomAD v4.1: 22 of 1,611,442 alleles (0.0014%); highest among the groups gnomAD compares: Admixed American, 0.027%; no homozygotes.

Submissions (4):

Ambry Genetics
Classification: Uncertain significance for Inborn genetic diseases. Last evaluated: 2024-07-16. Review status: criteria provided, single submitter. Criteria: Ambry Variant Classification Scheme 2023. Collection method: clinical testing. Allele origin: germline.

Fulgent Genetics
Classification: Uncertain significance for Short-rib thoracic dysplasia 10 with or without polydactyly; Retinitis pigmentosa 71; Bardet-Biedl syndrome 20. Last evaluated: 2024-06-03. Review status: criteria provided, single submitter. Criteria: ACMG Guidelines, 2015. Collection method: clinical testing. Allele origin: germline.

Labcorp Genetics (formerly Invitae), Labcorp
Classification: Uncertain significance for Retinitis pigmentosa 71; Short-rib thoracic dysplasia 10 with or without polydactyly. Last evaluated: 2023-12-11. Review status: criteria provided, single submitter. Criteria: Invitae Variant Classification Sherloc (09022015). Collection method: clinical testing. Allele origin: germline.
Comment: This sequence change replaces lysine, which is basic and polar, with asparagine, which is neutral and polar, at codon 1271 of the IFT172 protein (p.Lys1271Asn). This variant is present in population databases (rs769711760, gnomAD 0.02%). This variant has not been reported in the literature in individuals affected with IFT172-related conditions. ClinVar contains an entry for this variant (Variation ID: 2050615). Advanced modeling of protein sequence and biophysical properties (such as structural, functional, and spatial information, amino acid conservation, physicochemical variation, residue mobility, and thermodynamic stability) performed at Invitae indicates that this missense variant is not expected to disrupt IFT172 protein function with a negative predictive value of 80%. In summary, the available evidence is currently insufficient to determine the role of this variant in disease. Therefore, it has been classified as a Variant of Uncertain Significance.

PreventionGenetics, part of Exact Sciences
Classification: Uncertain significance for IFT172-related condition. Last evaluated: 2023-11-17. Review status: no assertion criteria provided. Collection method: clinical testing. Allele origin: germline. Not counted in ClinVar's aggregate classification.
Comment: The IFT172 c.3813G>T variant is predicted to result in the amino acid substitution p.Lys1271Asn. To our knowledge, this variant has not been reported in the literature. This variant is reported in 0.015% of alleles in individuals of East Asian descent in gnomAD. At this time, the clinical significance of this variant is uncertain due to the absence of conclusive functional and genetic evidence.